The following is an entry in ClinVar:

NM_018557.3(LRP1B):c.2803G>A (p.Gly935Arg)

Gene: LRP1B (LDL receptor related protein 1B; minus strand). Cytogenetic location: 2q22.1.
Variant type: single nucleotide variant.
Coding change: c.2803G>A on transcript NM_018557.3 (MANE Select); coding-DNA position 2803, G replaced by A.
Protein change: p.Gly935Arg; replaces glycine 935 with arginine.
Molecular consequence: missense variant.
Genome position (GRCh38, 1-based): chr2:140,982,244, C>T on the plus strand (G>A on the coding strand, the complement: LRP1B is on the minus strand). VCF-style: chr2-140982244-C-T. GRCh37 (hg19) VCF-style: chr2-141739813-C-T.
Other names: short protein forms G935R.
Identifiers: ClinVar variation 4533683 (VCV004533683.6).

ClinVar aggregate classification (germline): Likely benign (1 of 4 stars; one submission).

gnomAD v4.1: 408 of 1,613,228 alleles (0.025%); highest among the groups gnomAD compares: Middle Eastern, 0.033%; 1 homozygote.

Submission:

CeGaT Center for Human Genetics Tuebingen
Classification: Likely benign. Last evaluated: 2025-11-01. Review status: criteria provided, single submitter. Criteria: CeGaT Center For Human Genetics Tuebingen Variant Classification Criteria Version 2. Collection method: clinical testing. Allele origin: germline. Affected: yes. Observed: 1 variant allele.
Comment: LRP1B: BS2